The following is an entry in ClinVar:

ClinVar aggregate classification (germline): Uncertain significance (1 of 4 stars; one submission).

Submission:

Labcorp Genetics (formerly Invitae), Labcorp
Classification: Uncertain significance. Last evaluated: 2024-02-25. Review status: criteria provided, single submitter. Criteria: Invitae Variant Classification Sherloc (09022015). Collection method: clinical testing. Allele origin: germline.
Comment: This sequence change replaces serine, which is neutral and polar, with isoleucine, which is neutral and non-polar, at codon 3095 of the FAT4 protein (p.Ser3095Ile). This variant is not present in population databases (gnomAD no frequency). This variant has not been reported in the literature in individuals affected with FAT4-related conditions. Advanced modeling of protein sequence and biophysical properties (such as structural, functional, and spatial information, amino acid conservation, physicochemical variation, residue mobility, and thermodynamic stability) performed at Invitae indicates that this missense variant is not expected to disrupt FAT4 protein function with a negative predictive value of 95%. In summary, the available evidence is currently insufficient to determine the role of this variant in disease. Therefore, it has been classified as a Variant of Uncertain Significance.

NM_001291303.3(FAT4):c.9290G>T (p.Ser3097Ile)

Gene: FAT4 (FAT atypical cadherin 4; plus strand). Cytogenetic location: 4q28.1.
Variant type: single nucleotide variant.
Coding change: c.9290G>T on transcript NM_001291303.3 (MANE Select); coding-DNA position 9290, G replaced by T.
Protein change: p.Ser3097Ile; replaces serine 3097 with isoleucine.
Molecular consequence: missense variant.
Genome position (GRCh38, 1-based): chr4:125,450,300, G>T. VCF-style: chr4-125450300-G-T. GRCh37 (hg19) VCF-style: chr4-126371455-G-T.
Other names: c.9290G>T, p.Ser3097Ile (NM_001291285.3); c.9284G>T, p.Ser3095Ile (NM_024582.6); short protein forms S3095I, S3097I.
Identifiers: ClinVar variation 3637026 (VCV003637026.2).